The following is an entry in ClinVar:

ClinVar aggregate classification (germline): Pathogenic (1 of 4 stars; one submission).

Conditions:
Spastic paraplegia. Identifiers: MedGen C0037772, HP:0001258.

Submission:

Labcorp Genetics (formerly Invitae), Labcorp
Classification: Pathogenic for Spastic paraplegia. Last evaluated: 2025-02-24. Review status: criteria provided, single submitter. Criteria: Invitae Variant Classification Sherloc (09022015). Collection method: clinical testing. Allele origin: germline.
Comment: This sequence change results in a frameshift in the B4GALNT1 gene (p.Val473Glyfs*91). While this is not anticipated to result in nonsense mediated decay, it is expected to disrupt the last 61 amino acid(s) of the B4GALNT1 protein and extend the protein by 29 additional amino acid residues. This variant is present in population databases (no rsID available, gnomAD 0.003%). This variant has not been reported in the literature in individuals affected with B4GALNT1-related conditions. ClinVar contains an entry for this variant (Variation ID: 2695094). This variant disrupts a region of the B4GALNT1 protein in which other variant(s) (p.Arg505His) have been determined to be pathogenic (PMID: 24103911, 30521973). This suggests that this is a clinically significant region of the protein, and that variants that disrupt it are likely to be disease-causing. For these reasons, this variant has been classified as Pathogenic.

Literature cited by the submitters: PubMed 24103911; PubMed 30521973.

NM_001478.5(B4GALNT1):c.1417dup (p.Val473fs)

Gene: B4GALNT1 (beta-1,4-N-acetyl-galactosaminyltransferase 1; minus strand). Cytogenetic location: 12q13.3.
Variant type: Duplication.
Coding change: c.1417dup on transcript NM_001478.5 (MANE Select); coding-DNA position 1417, one base duplicated (G; older notation c.1417dupG).
Protein change: p.Val473fs; shifts the reading frame from valine 473.
Molecular consequence: frameshift variant.
Genome position (GRCh38, 1-based): chr12:57,626,929, C duplicated on the plus strand (G on the coding strand, the reverse complement: B4GALNT1 is on the minus strand); the first of 3 consecutive C bases (chr12:57,626,929-57,626,931); duplicating any one gives the same sequence. VCF-style (leftmost placement, unchanged base first): chr12-57626928-A-AC. GRCh37 (hg19) VCF-style: chr12-58020711-A-AC.
Other names: c.1252dup, p.Val418fs (NM_001276468.2, NM_001413978.1); c.1585dup, p.Val529fs (NM_001413967.1); c.1552dup, p.Val518fs (NM_001413968.1, NM_001413969.1); c.1450dup, p.Val484fs (NM_001413970.1, NM_001413971.1, NM_001413972.1); c.1417dup, p.Val473fs (NM_001413973.1, NM_001413974.1); c.1318dup, p.Val440fs (NM_001413977.1); c.565dup, p.Val189fs (NM_001413981.1); c.463dup, p.Val155fs (NM_001413982.1); and 1 more; short protein forms V144fs, V155fs, V440fs, V518fs, V189fs, V473fs, V529fs, V418fs.
Identifiers: ClinVar variation 2695094 (VCV002695094.3), dbSNP rs1423595663, ClinGen allele CA605314530.
Genomic context (GRCh38, chr12:57,626,928, plus strand): 5'-GATGTCCAAGGCAGCTTCAGTTTGGATGCATGATCCACCACGACGTCGGAGCAGGAGCCA[A>AC]CCCGAAGGGAACCAAGCCCATCCAAGAAGAATTCTGGGGGTGGAGGGGAGTACACAGTGA-3'